The following is an entry in ClinVar:

NM_024675.4(PALB2):c.934del (p.Ser312fs)

Gene: PALB2 (partner and localizer of BRCA2; minus strand). Cytogenetic location: 16p12.2.
Variant type: Deletion.
Coding change: c.934del on transcript NM_024675.4 (MANE Select); coding-DNA position 934, one base deleted (A; older notation c.934delA).
Protein change: p.Ser312fs; shifts the reading frame from serine 312.
Molecular consequence: frameshift variant.
Genome position (GRCh38, 1-based): chr16:23,635,612, T deleted on the plus strand (A on the coding strand, the reverse complement: PALB2 is on the minus strand); the first of 4 consecutive T bases (chr16:23,635,612-23,635,615); deleting any one gives the same sequence. VCF-style (leftmost placement, unchanged base first): chr16-23635611-CT-C. GRCh37 (hg19) VCF-style: chr16-23646932-CT-C.
Other names: c.934delA (NM_024675.3, NM_024675.4); short protein forms S312fs.
Identifiers: ClinVar variation 927717 (VCV000927717.8), dbSNP rs1967007854, ClinGen allele CA913188811.

ClinVar aggregate classification (germline): Pathogenic/Likely pathogenic. Review status: criteria provided, multiple submitters, no conflicts (2 of 4 stars). 4 submissions from 4 submitters: Pathogenic (3); Likely pathogenic (1). Last evaluated 2025-11-26.

Conditions:
PALB2-related disorder. Also called: PALB2-related condition; PALB2-related disorders.
Hereditary cancer-predisposing syndrome. Also called: Neoplastic Syndromes, Hereditary; Hereditary Cancer Syndrome; Tumor predisposition; Hereditary neoplastic syndrome. Identifiers: Orphanet 140162, MedGen C0027672, MeSH D009386, MONDO:0015356.
Hereditary breast ovarian cancer syndrome. Also called: Hereditary breast and ovarian cancer syndrome; Hereditary breast and ovarian cancer syndrome (HBOC); Hereditary breast and/or ovarian cancer syndrome; Hereditary breast and ovarian cancer; Breast and ovarian cancer; BRCA1- and BRCA2-Associated Hereditary Breast and Ovarian Cancer. Identifiers: Orphanet 145, MedGen C0677776, MeSH D061325, MONDO:0003582. Disease mechanism: loss of function.

Submissions (4):

Women's Health and Genetics/Laboratory Corporation of America, LabCorp
Classification: Pathogenic for Hereditary breast ovarian cancer syndrome. Last evaluated: 2025-11-26. Review status: criteria provided, single submitter. Criteria: LabCorp Variant Classification Summary - May 2015. Collection method: clinical testing. Allele origin: germline.
Comment: Variant summary: PALB2 c.934delA (p.Ser312ValfsX10) results in a premature termination codon, predicted to cause a truncation of the encoded protein or absence of the protein due to nonsense mediated decay, which are commonly known mechanisms for disease. The variant was absent in 251128 control chromosomes. To our knowledge, no occurrence of c.934delA in individuals affected with PALB2-related conditions and no experimental evidence demonstrating its impact on protein function have been reported. ClinVar contains an entry for this variant (Variation ID: 927717). Based on the evidence outlined above, the variant was classified as pathogenic for PALB2-related cancers and fanconi anemia.

Ambry Genetics
Classification: Pathogenic for Hereditary cancer-predisposing syndrome. Last evaluated: 2025-01-06. Review status: criteria provided, single submitter. Criteria: Ambry Variant Classification Scheme 2023. Collection method: clinical testing. Allele origin: germline.
Comment: The c.934delA pathogenic mutation, located in coding exon 4 of the PALB2 gene, results from a deletion of one nucleotide at nucleotide position 934, causing a translational frameshift with a predicted alternate stop codon (p.S312Vfs*10). This variant is considered to be rare based on population cohorts in the Genome Aggregation Database (gnomAD). This alteration is expected to result in loss of function by premature protein truncation or nonsense-mediated mRNA decay. As such, this alteration is interpreted as a disease-causing mutation.

Greenwood Genetic Center Diagnostic Laboratories, Greenwood Genetic Center
Classification: Likely pathogenic for PALB2-related disorder. Last evaluated: 2024-12-19. Review status: criteria provided, single submitter. Criteria: ACMG Guidelines, 2015. Collection method: clinical testing. Allele origin: germline.
Comment: PVS1, PM2

Color Diagnostics, LLC DBA Color Health
Classification: Pathogenic for Hereditary cancer-predisposing syndrome. Last evaluated: 2022-03-28. Review status: criteria provided, single submitter. Criteria: ACMG Guidelines, 2015. Collection method: clinical testing. Allele origin: germline.
Comment: This variant deletes 1 nucleotide in exon 4 of the PALB2 gene, creating a frameshift and premature translation stop signal. This variant is expected to result in an absent or non-functional protein product. To our knowledge, this variant has not been reported in individuals affected with hereditary cancer in the literature. This variant has not been identified in the general population by the Genome Aggregation Database (gnomAD). Loss of PALB2 function is a known mechanism of disease. Based on the available evidence, this variant is classified as Pathogenic.